The following is an entry in ClinVar:

ClinVar aggregate classification (germline): Uncertain significance (1 of 4 stars; one submission).

Conditions:
Loeys-Dietz syndrome 4 (LDS4). Also called: TGFB2-Related Loeys-Dietz Syndrome; ANEURYSM, AORTIC AND CEREBRAL, WITH ARTERIAL TORTUOSITY AND SKELETAL MANIFESTATIONS. Identifiers: MedGen C3553762, MONDO:0013897, OMIM 614816.

Submission:

Labcorp Genetics (formerly Invitae), Labcorp
Classification: Uncertain significance for Loeys-Dietz syndrome 4. Last evaluated: 2022-12-16. Review status: criteria provided, single submitter. Criteria: Invitae Variant Classification Sherloc (09022015). Collection method: clinical testing. Allele origin: unknown.
Comment: In summary, the available evidence is currently insufficient to determine the role of this variant in disease. Therefore, it has been classified as a Variant of Uncertain Significance. Experimental studies and prediction algorithms are not available or were not evaluated, and the functional significance of this variant is currently unknown. This variant has not been reported in the literature in individuals affected with TGFB2-related conditions. This variant results in a copy number gain of the genomic region encompassing exon(s) 1 of the TGFB2 gene. This region includes the initiator codon of the gene. This copy number gain extends beyond the assayed region for this gene and therefore may encompass additional genes. As the precise location of this event is unknown, it may be in tandem or it may be located elsewhere in the genome.

NC_000001.10:g.(?_218520044)_(218520409_?)dup

Gene: TGFB2 (transforming growth factor beta 2; plus strand). Cytogenetic location: 1q41.
Variant type: Duplication.
Identifiers: ClinVar variation 3247814 (VCV003247814.1).